The following is an entry in ClinVar:

NM_004333.6(BRAF):c.2128-5T>C

Gene: BRAF (B-Raf proto-oncogene, serine/threonine kinase; minus strand). Cytogenetic location: 7q34.
Variant type: single nucleotide variant.
Coding change: c.2128-5T>C on transcript NM_004333.6 (MANE Select); 5 bases into the intron before coding-DNA position 2128, T replaced by C.
Molecular consequence: intron variant.
Genome position (GRCh38, 1-based): chr7:140,734,775, A>G on the plus strand (T>C on the coding strand, the complement: BRAF is on the minus strand). VCF-style: chr7-140734775-A-G. GRCh37 (hg19) VCF-style: chr7-140434575-A-G.
Other names: c.2127+5037T>C (NM_001378474.1, NM_001378468.1); c.2026-5T>C (NM_001378470.1); c.1864-5T>C (NM_001378475.1); c.2017-5T>C (NM_001378471.1); c.2128-5T>C (NM_001354609.2, NM_004333.4); c.2248-5T>C (NM_001374258.1, NM_001374244.1); c.2137-5T>C (NM_001378467.1); c.1972-5T>C (NM_001378472.1, NM_001378473.1); and 1 more.
Identifiers: ClinVar variation 2906444 (VCV002906444.6), dbSNP rs151306633, ClinGen allele CA168035149.

ClinVar aggregate classification (germline): Likely benign. Review status: criteria provided, multiple submitters, no conflicts (2 of 4 stars). 3 submissions from 3 submitters: Likely benign (2). 1 of the submissions does not count toward it. Last evaluated 2025-02-07.

Conditions:
RASopathy. Also called: rasopathies; Noonan spectrum disorder. Identifiers: Orphanet 536391, MedGen C5555857, MONDO:0021060.
BRAF-related disorder. Also called: BRAF-related condition.

Allele frequency attached by ClinVar (database versions not stated): gnomAD exomes below 0.00001; gnomAD 0.00001; TOPMed 0.00001.
gnomAD v4.1: 3 of 1,056,470 alleles (0.00028%); highest among the groups gnomAD compares: East Asian, 0.0069%; no homozygotes.

Submissions (3):

Labcorp Genetics (formerly Invitae), Labcorp
Classification: Likely benign for RASopathy. Last evaluated: 2025-02-07. Review status: criteria provided, single submitter. Criteria: Invitae Variant Classification Sherloc (09022015). Collection method: clinical testing. Allele origin: germline.

Blueprint Genetics
Classification: Likely benign. Last evaluated: 2020-12-30. Review status: criteria provided, single submitter. Criteria: ACMG Guidelines, 2015. Collection method: clinical testing. Allele origin: germline.

PreventionGenetics, part of Exact Sciences
Classification: Likely benign for BRAF-related condition. Last evaluated: 2022-10-12. Review status: no assertion criteria provided. Collection method: clinical testing. Allele origin: germline. Not counted in ClinVar's aggregate classification.
Comment: This variant is classified as likely benign based on ACMG/AMP sequence variant interpretation guidelines (Richards et al. 2015 PMID: 25741868, with internal and published modifications).